The following is an entry in ClinVar:

ClinVar aggregate classification (germline): Uncertain significance (1 of 4 stars; one submission).

Conditions:
Hereditary spastic paraplegia 73. Also called: Spastic paraplegia 73, autosomal dominant. Identifiers: Orphanet 444099, MedGen C5568981, MONDO:0014568, OMIM 616282.

Submission:

Labcorp Genetics (formerly Invitae), Labcorp
Classification: Uncertain significance for Hereditary spastic paraplegia 73. Last evaluated: 2024-08-07. Review status: criteria provided, single submitter. Criteria: Invitae Variant Classification Sherloc (09022015). Collection method: clinical testing. Allele origin: germline.
Comment: This sequence change replaces arginine, which is basic and polar, with glutamine, which is neutral and polar, at codon 329 of the CPT1C protein (p.Arg329Gln). This variant is present in population databases (rs751799565, gnomAD 0.005%). This variant has not been reported in the literature in individuals affected with CPT1C-related conditions. Advanced modeling of protein sequence and biophysical properties (such as structural, functional, and spatial information, amino acid conservation, physicochemical variation, residue mobility, and thermodynamic stability) performed at Invitae indicates that this missense variant is not expected to disrupt CPT1C protein function with a negative predictive value of 80%. In summary, the available evidence is currently insufficient to determine the role of this variant in disease. Therefore, it has been classified as a Variant of Uncertain Significance.

NM_001199753.2(CPT1C):c.1019G>A (p.Arg340Gln)

Gene: CPT1C (carnitine palmitoyltransferase 1C; plus strand). Cytogenetic location: 19q13.33.
Variant type: single nucleotide variant.
Coding change: c.1019G>A on transcript NM_001199753.2 (MANE Select); coding-DNA position 1019, G replaced by A.
Protein change: p.Arg340Gln; replaces arginine 340 with glutamine.
Molecular consequence: missense variant. On other transcripts: non-coding transcript variant (1).
Genome position (GRCh38, 1-based): chr19:49,705,963, G>A. VCF-style: chr19-49705963-G-A. GRCh37 (hg19) VCF-style: chr19-50209220-G-A.
Other names: c.986G>A, p.Arg329Gln (NM_001136052.3, NM_001378485.1, NM_001378487.1); c.1019G>A, p.Arg340Gln (NM_001199752.3, NM_001378483.1, NM_001378484.1 and 3 more transcripts); c.1085G>A, p.Arg362Gln (NM_001378482.1); short protein forms R329Q, R362Q, R340Q.
Identifiers: ClinVar variation 3665237 (VCV003665237.2).